The following is an entry in ClinVar:

ClinVar aggregate classification (germline): Likely pathogenic. Review status: criteria provided, multiple submitters, no conflicts (2 of 4 stars). 2 submissions from 2 submitters: Likely pathogenic (2). Last evaluated 2026-06-16.

Conditions:
Primary ciliary dyskinesia. Also called: Ciliary dyskinesia. Identifiers: Orphanet 244, MedGen C0008780, MONDO:0016575, HP:0012265.
Primary ciliary dyskinesia 3. Identifiers: Orphanet 244, MedGen C1837618, MONDO:0012085, OMIM 608644.

Submissions (2):

Victorian Clinical Genetics Services, Murdoch Childrens Research Institute
Classification: Likely pathogenic for Primary ciliary dyskinesia 3. Last evaluated: 2026-06-16. Review status: criteria provided, single submitter. Criteria: ACMG Guidelines, 2015. Collection method: clinical testing. Allele origin: germline. Affected: yes.
Comment: This variant is classified as Likely pathogenic. Evidence in support of pathogenic classification: Canonical splice site variant without proven consequence on splicing (no functional evidence available); Variant is absent from gnomAD (v2, v3 and v4); This variant has limited previous evidence of pathogenicity in unrelated individual(s). This variant has been classified as likely pathogenic by a clinical laboratory in ClinVar, and reported in the literature as presumed compound heterozygous in a fetus with situs inversus totalis (PMID: 40694277); Other splice site variant(s) comparable to the one identified in this case have moderate previous evidence for pathogenicity. c.8010+2T>C and c.8010+3A>G have been classified as either pathogenic or likely pathogenic by clinical laboratories (ClinVar); Abnormal splicing is predicted by in silico tool and affected nucleotide is highly conserved. Additional information: This variant is heterozygous; This gene is associated with autosomal recessive disease; Alternative nucleotide change(s) at the same canonical splice site are present in gnomAD (highest allele count: v4: 1 heterozygote(s), 0 homozygote(s)); No published evidence of segregation with disease has been identified for this variant; No published functional evidence has been identified for this variant; Loss of function is a known mechanism of disease in this gene and is associated with ciliary dyskinesia, primary, 3, with or without situs inversus (MIM#608644); Inheritance information for this variant is not currently available in this individual.

Ambry Genetics
Classification: Likely pathogenic for Primary ciliary dyskinesia. Last evaluated: 2015-08-03. Review status: criteria provided, single submitter. Criteria: Ambry Variant Classification Scheme 2023. Collection method: clinical testing. Allele origin: germline.
Comment: The c.8010+1G>A intronic variant results from a G to A one nucleotide after coding exon 48 of the DNAH5 gene. This variant was not reported in population based cohorts in the following databases: Database of Single Nucleotide Polymorphisms (dbSNP), NHLBI Exome Sequencing Project (ESP), and 1000 Genomes Project. In the ESP, this variant was not observed in 6503 samples (13006 alleles) with coverage at this position. This nucleotide position is highly conserved in available vertebrate species. Using the BDGP and ESEfinder splice site prediction tools, this alteration is predicted to abolish the native donor splice site; however, direct evidence is unavailable. Alterations that disrupt the canonical splice donor site are typically deleterious in nature (ACMG Recommendations for Standards for Interpretation and Reporting of Sequence Variations. Revision 2007. Genet Med. 2008;10:294). As such, the c.8010+1G>A variant is classified as likely pathogenic.

Literature cited by the submitters: PubMed 40694277 (cited by Victorian Clinical Genetics Services, Murdoch Childrens Research Institute).

NM_001369.3(DNAH5):c.8010+1G>A

Gene: DNAH5 (dynein axonemal heavy chain 5; minus strand). Cytogenetic location: 5p15.2.
Variant type: single nucleotide variant.
Coding change: c.8010+1G>A on transcript NM_001369.3 (MANE Select); the canonical splice donor site of the intron after coding-DNA position 8010, G replaced by A.
Molecular consequence: splice donor variant.
Genome position (GRCh38, 1-based): chr5:13,793,935, C>T on the plus strand (G>A on the coding strand, the complement: DNAH5 is on the minus strand). VCF-style: chr5-13793935-C-T. GRCh37 (hg19) VCF-style: chr5-13794044-C-T.
Identifiers: ClinVar variation 1761647 (VCV001761647.3), dbSNP rs2546745461, ClinGen allele CA359221746.
Genomic context (GRCh38, chr5:13,793,935, plus strand): 5'-TCTTCTAAGAATAAATCAATACCAAATTAAAGAAATAAAATGCACAATAGAATGATGATA[C>T]CTGATCTCCCCACTCATTGATTATTGGCATATTCACATCATCAATAAAAACAGTCATCTT-3'